The following is an entry in ClinVar:

NC_000001.11:g.230710284G>A

Gene: AGT (angiotensinogen; minus strand). Cytogenetic location: 1q42.2.
Variant type: single nucleotide variant.
Genome position: GRCh38 VCF-style: chr1-230710284-G-A. GRCh37 (hg19) VCF-style: chr1-230846030-G-A.
Other names: NM_000029.3:c.567C>T; NM_000029.4:c.567C>T; p.Gly189=.
Identifiers: ClinVar variation 746864 (VCV000746864.9), dbSNP rs545870660, ClinGen allele CA1448277.

ClinVar aggregate classification (germline): Benign/Likely benign. Review status: criteria provided, multiple submitters, no conflicts (2 of 4 stars). 2 submissions from 2 submitters: Benign (1); Likely benign (1). Last evaluated 2025-09-30.

Allele frequency attached by ClinVar (database versions not stated): gnomAD 0.00001 and 0.00011; TOPMed 0.00003; gnomAD exomes 0.00021 and 0.00045; 1000 Genomes Project 0.00040; ExAC 0.00045; 1000 Genomes Project 30x 0.00047.
gnomAD v4.1: 313 of 1,613,924 alleles (0.019%); highest among the groups gnomAD compares: South Asian, 0.33%; 7 homozygotes.

Submissions (2):

Labcorp Genetics (formerly Invitae), Labcorp
Classification: Benign. Last evaluated: 2025-09-30. Review status: criteria provided, single submitter. Criteria: Invitae Variant Classification Sherloc (09022015). Collection method: clinical testing. Allele origin: germline.

Mayo Clinic Laboratories, Mayo Clinic
Classification: Likely benign. Last evaluated: 2025-09-14. Review status: criteria provided, single submitter. Criteria: ACMG Guidelines, 2015. Collection method: clinical testing. Allele origin: germline. Observed: 1 variant allele.
Comment: BS1, BP4, BP7